The following is an entry in ClinVar:

ClinVar aggregate classification (germline): Uncertain significance. Review status: criteria provided, multiple submitters, no conflicts (2 of 4 stars). 3 submissions from 3 submitters: Uncertain significance (3). Last evaluated 2025-02-25.

Allele frequency attached by ClinVar (database versions not stated): gnomAD 0.00001; TOPMed 0.00003; ExAC 0.00004; 1000 Genomes Project 30x 0.00021; 1000 Genomes Project 0.00026.

Submissions (3):

GeneDx
Classification: Uncertain significance. Last evaluated: 2025-02-25. Review status: criteria provided, single submitter. Criteria: GeneDx Variant Classification Process June 2021. Collection method: clinical testing. Allele origin: germline. Affected: yes.
Comment: In silico analysis supports that this missense variant has a deleterious effect on protein structure/function; Has not been previously published as pathogenic or benign to our knowledge; This variant is associated with the following publications: (PMID: 25525159, 34426522)

Women's Health and Genetics/Laboratory Corporation of America, LabCorp
Classification: Uncertain significance. Last evaluated: 2025-01-06. Review status: criteria provided, single submitter. Criteria: LabCorp Variant Classification Summary - May 2015. Collection method: clinical testing. Allele origin: germline.
Comment: Variant summary: SHOX c.584G>A (p.Arg195Gln) results in a conservative amino acid change in the encoded protein sequence. Three of five in-silico tools predict a damaging effect of the variant on protein function. The variant allele was found at a frequency of 5.6e-05 in 251168 control chromosomes (gnomAD). This frequency is not significantly higher than estimated for a pathogenic variant in SHOX causing Langer Mesomelic Dysplasia (5.6e-05 vs 0.0022), allowing no conclusion about variant significance. To our knowledge, no occurrence of c.584G>A in individuals affected with Langer Mesomelic Dysplasia and no experimental evidence demonstrating its impact on protein function have been reported. ClinVar contains an entry for this variant (Variation ID: 1685116). Based on the evidence outlined above, the variant was classified as uncertain significance.

Mendelics
Classification: Uncertain significance. Last evaluated: 2022-05-04. Review status: criteria provided, single submitter. Criteria: Mendelics Assertion Criteria 2019. Collection method: clinical testing. Allele origin: germline.

NM_000451.4(SHOX):c.584G>A (p.Arg195Gln)

Gene: SHOX (SHOX homeobox; plus strand). Cytogenetic location: Xp22.33.
Variant type: single nucleotide variant.
Coding change: c.584G>A on transcript NM_000451.4 (MANE Select); coding-DNA position 584, G replaced by A.
Protein change: p.Arg195Gln; replaces arginine 195 with glutamine.
Molecular consequence: missense variant.
Genome position (GRCh38, 1-based): chrX:641,038, G>A. VCF-style: chrX-641038-G-A. GRCh37 (hg19) VCF-style: chrX-601773-G-A.
Other names: c.584G>A, p.Arg195Gln (NM_006883.2); c.584G>A (NM_000451.3); short protein forms R195Q.
Identifiers: ClinVar variation 1685116 (VCV001685116.4), dbSNP rs188370909, ClinGen allele CA10330068.